The following is an entry in ClinVar:

ClinVar aggregate classification (germline): Uncertain significance (1 of 4 stars; one submission).

Conditions:
Familial cold autoinflammatory syndrome 3 (FCAS3). Also called: FAMILIAL ATYPICAL COLD URTICARIA; ANTIBODY DEFICIENCY AND IMMUNE DYSREGULATION, PLCG2-ASSOCIATED. Identifiers: Orphanet 300359, MedGen C3280914, MONDO:0013766, OMIM 614468.

Allele frequency attached by ClinVar (database versions not stated): gnomAD exomes below 0.00001.
gnomAD v4.1: 2 of 1,613,956 alleles (0.00012%); highest among the groups gnomAD compares: African/African-American, 0.0013%; no homozygotes.

Submission:

Labcorp Genetics (formerly Invitae), Labcorp
Classification: Uncertain significance for Familial cold autoinflammatory syndrome 3. Last evaluated: 2025-08-15. Review status: criteria provided, single submitter. Criteria: Invitae Variant Classification Sherloc (09022015). Collection method: clinical testing. Allele origin: germline.
Comment: This sequence change replaces aspartic acid, which is acidic and polar, with histidine, which is basic and polar, at codon 951 of the PLCG2 protein (p.Asp951His). This variant is not present in population databases (gnomAD no frequency). This variant has not been reported in the literature in individuals affected with PLCG2-related conditions. ClinVar contains an entry for this variant (Variation ID: 1488704). An algorithm developed to predict the effect of missense changes on protein structure and function (PolyPhen-2) suggests that this variant is likely to be disruptive. In summary, the available evidence is currently insufficient to determine the role of this variant in disease. Therefore, it has been classified as a Variant of Uncertain Significance.

NM_002661.5(PLCG2):c.2851G>C (p.Asp951His)

Gene: PLCG2 (phospholipase C gamma 2; plus strand). Cytogenetic location: 16q23.3.
Variant type: single nucleotide variant.
Coding change: c.2851G>C on transcript NM_002661.5 (MANE Select); coding-DNA position 2851, G replaced by C.
Protein change: p.Asp951His; replaces aspartic acid 951 with histidine.
Molecular consequence: missense variant.
Genome position (GRCh38, 1-based): chr16:81,936,177, G>C. VCF-style: chr16-81936177-G-C. GRCh37 (hg19) VCF-style: chr16-81969782-G-C.
Other names: short protein forms D951H.
Identifiers: ClinVar variation 1488704 (VCV001488704.8), dbSNP rs2143726099, ClinGen allele CA396905547.